The following is an entry in ClinVar:

NM_001394477.1(FCGR2B):c.189G>A (p.Gln63=)

Gene: FCGR2B (Fc gamma receptor IIb; plus strand). Cytogenetic location: 1q23.3.
Variant type: single nucleotide variant.
Coding change: c.189G>A on transcript NM_001394477.1 (MANE Select); coding-DNA position 189, G replaced by A.
Protein change: p.Gln63=; no amino-acid change (glutamine 63 retained).
Molecular consequence: synonymous variant. On other transcripts: non-coding transcript variant (1).
Genome position (GRCh38, 1-based): chr1:161,671,447, G>A. VCF-style: chr1-161671447-G-A. GRCh37 (hg19) VCF-style: chr1-161641237-G-A.
Other names: c.186G>A, p.Gln62= (NM_001002273.3, NM_001002275.3); c.189G>A, p.Gln63= (NM_001002274.3, NM_001386003.1, NM_001386005.1 and 1 more transcripts); c.168G>A, p.Gln56= (NM_001190828.2, NM_001386001.1, NM_001386006.1); c.165G>A, p.Gln55= (NM_001386000.1, NM_001386002.1, NM_001386004.1).
Identifiers: ClinVar variation 806264 (VCV000806264.43), dbSNP rs5017568, ClinGen allele CA1212670.
Genomic context (GRCh38, chr1:161,671,447, plus strand): 5'-CTCAGCAGCTCCCCCAAAGGCTGTGCTGAAACTCGAGCCCCAGTGGATCAACGTGCTCCA[G>A]GAGGACTCTGTGACTCTGACATGCCGGGGGACTCACAGCCCTGAGAGCGACTCCATTCAG-3'
Protein context (NP_001381406.1, residues 53-73): KLEPQWINVL[Gln63=]EDSVTLTCRG

ClinVar aggregate classification (germline): Conflicting classifications of pathogenicity. Review status: criteria provided, conflicting classifications (1 of 4 stars). 2 submissions from 2 submitters: Uncertain significance (1); Likely benign (1). Last evaluated 2025-10-01.

Allele frequency attached by ClinVar (database versions not stated): gnomAD exomes 0.00278 and 0.00610; ExAC 0.00544; 1000 Genomes Project 30x 0.00547; gnomAD 0.00624 and 0.00639.
gnomAD v4.1: 9,902 of 1,603,124 alleles (0.62%); highest among the groups gnomAD compares: Middle Eastern, 1.3%; 4 homozygotes.

Submissions (2):

CeGaT Center for Human Genetics Tuebingen
Classification: Likely benign. Last evaluated: 2025-10-01. Review status: criteria provided, single submitter. Criteria: CeGaT Center For Human Genetics Tuebingen Variant Classification Criteria Version 2. Collection method: clinical testing. Allele origin: germline. Affected: yes. Observed: 4 variant alleles.
Comment: FCGR2B: BP4, BP7

Breakthrough Genomics
Classification: Uncertain significance. Review status: criteria provided, single submitter. Criteria: ACMG Guidelines, 2015. Collection method: not provided. Allele origin: germline. Inheritance: Autosomal dominant inheritance. Affected: yes.